The following is an entry in ClinVar:

NM_000023.4(SGCA):c.436G>C (p.Glu146Gln)

Gene: SGCA (sarcoglycan alpha; plus strand). Cytogenetic location: 17q21.33.
Variant type: single nucleotide variant.
Coding change: c.436G>C on transcript NM_000023.4 (MANE Select); coding-DNA position 436, G replaced by C.
Protein change: p.Glu146Gln; replaces glutamic acid 146 with glutamine.
Molecular consequence: missense variant. On other transcripts: non-coding transcript variant (1).
Genome position (GRCh38, 1-based): chr17:50,168,424, G>C. VCF-style: chr17-50168424-G-C. GRCh37 (hg19) VCF-style: chr17-48245785-G-C.
Other names: c.436G>C, p.Glu146Gln (NM_001135697.3); short protein forms E146Q.
Identifiers: ClinVar variation 471333 (VCV000471333.2), dbSNP rs1555568758, ClinGen allele CA400179871.

ClinVar aggregate classification (germline): Uncertain significance. Review status: criteria provided, multiple submitters, no conflicts (2 of 4 stars). 2 submissions from 2 submitters: Uncertain significance (2). Last evaluated 2026-07-20.

Conditions:
Autosomal recessive limb-girdle muscular dystrophy type 2D (LGMDR3). Also called: ADHALINOPATHY, PRIMARY; DUCHENNE-LIKE AUTOSOMAL RECESSIVE MUSCULAR DYSTROPHY, TYPE 2; MUSCULAR DYSTROPHY, LIMB-GIRDLE, AUTOSOMAL RECESSIVE 3. Identifiers: Orphanet 62, MedGen C2936332, MONDO:0011968, OMIM 608099. Disease mechanism: Affects gamma-sarcoglycan and also disrupts the integrity of the entire sarcoglycan complex..

Submissions (2):

Myriad Genetics, Inc.
Classification: Uncertain significance for Autosomal recessive limb-girdle muscular dystrophy type 2D. Last evaluated: 2026-07-20. Review status: criteria provided, single submitter. Criteria: Myriad Autosomal Dominant, Autosomal Recessive and X-Linked Classification Criteria (2023). Collection method: clinical testing. Allele origin: unknown.
Comment: NM_000023.2(SGCA):c.436G>C(E146Q) is a missense variant classified as a variant of uncertain significance in the context of alpha-sarcoglycanopathy. E146Q has been observed in a case with relevant disease (PMID: 33726816, 37273706). Relevant functional assessments of this variant are not available in the literature. E146Q has not been observed in referenced population frequency databases. In summary, there is insufficient evidence to classify NM_000023.2(SGCA):c.436G>C(E146Q) as pathogenic or benign. Please note: this variant was assessed in the context of healthy population screening.

Labcorp Genetics (formerly Invitae), Labcorp
Classification: Uncertain significance for Autosomal recessive limb-girdle muscular dystrophy type 2D. Last evaluated: 2017-04-24. Review status: criteria provided, single submitter. Criteria: Invitae Variant Classification Sherloc (09022015). Collection method: clinical testing. Allele origin: germline.
Comment: This sequence change replaces glutamic acid with glutamine at codon 146 of the SGCA protein (p.Glu146Gln). The glutamic acid residue is highly conserved and there is a small physicochemical difference between glutamic acid and glutamine. This variant is not present in population databases (ExAC no frequency) and has not been reported in the literature in individuals with a SGCA-related disease. Algorithms developed to predict the effect of missense changes on protein structure and function do not agree on the potential impact of this missense change (SIFT: "Tolerated"; PolyPhen-2: "Probably Damaging"; Align-GVGD: "Class C0"). In summary, this variant is a novel missense change with uncertain impact on protein function. It has been classified as a Variant of Uncertain Significance.

Literature cited by the submitters: PubMed 33726816 (cited by Myriad Genetics, Inc.); PubMed 37273706 (cited by Myriad Genetics, Inc.).